The following is an entry in ClinVar:

NM_170665.4(ATP2A2):c.1312G>A (p.Gly438Arg)

Gene: ATP2A2 (ATPase sarcoplasmic/endoplasmic reticulum Ca2+ transporting 2; plus strand). Cytogenetic location: 12q24.11.
Variant type: single nucleotide variant.
Coding change: c.1312G>A on transcript NM_170665.4 (MANE Select); coding-DNA position 1312, G replaced by A.
Protein change: p.Gly438Arg; replaces glycine 438 with arginine.
Molecular consequence: missense variant.
Genome position (GRCh38, 1-based): chr12:110,334,036, G>A. VCF-style: chr12-110334036-G-A. GRCh37 (hg19) VCF-style: chr12-110771841-G-A.
Other names: c.1207G>A, p.Gly403Arg (NM_001413013.1); c.1312G>A, p.Gly438Arg (NM_001413014.1, NM_001681.4); c.937G>A, p.Gly313Arg (NM_001413015.1); short protein forms G313R, G403R, G438R.
Identifiers: ClinVar variation 3252476 (VCV003252476.1), dbSNP rs2548557891.

ClinVar aggregate classification (germline): Uncertain significance (1 of 4 stars; one submission).

Submission:

GeneDx
Classification: Uncertain significance. Last evaluated: 2023-10-03. Review status: criteria provided, single submitter. Criteria: GeneDx Variant Classification Process June 2021. Collection method: clinical testing. Allele origin: germline. Affected: yes.
Comment: Not observed at significant frequency in large population cohorts (gnomAD); Missense variants in this gene are often considered pathogenic (HGMD); In silico analysis supports that this missense variant has a deleterious effect on protein structure/function; Has not been previously published as pathogenic or benign to our knowledge